The following is an entry in ClinVar:

ClinVar aggregate classification (germline): Conflicting classifications of pathogenicity. Review status: criteria provided, conflicting classifications (1 of 4 stars). 4 submissions from 4 submitters: Likely pathogenic (1); Uncertain significance (2). 1 of the submissions does not count toward it. Last evaluated 2025-12-08.

Conditions:
Hereditary cancer-predisposing syndrome. Also called: Neoplastic Syndromes, Hereditary; Hereditary neoplastic syndrome; Tumor predisposition; Hereditary Cancer Syndrome. Identifiers: Orphanet 140162, MedGen C0027672, MeSH D009386, MONDO:0015356.
Ovarian cancer. Also called: OVARIAN CANCER, SOMATIC. Identifiers: Orphanet 213500, MedGen C1140680, MONDO:0008170, OMIM 167000.
Bloom syndrome (BLM). Also called: Bloom-Torre-Machacek syndrome. Identifiers: Orphanet 125, MedGen C0005859, MONDO:0008876, OMIM 210900.

Allele frequency attached by ClinVar (database versions not stated): TOPMed 0.00001; ExAC 0.00002; gnomAD exomes 0.00002.
gnomAD v4.1: 2 of 1,614,196 alleles (0.00012%); highest among the groups gnomAD compares: East Asian, 0.0045%; no homozygotes.

Submissions (4):

Labcorp Genetics (formerly Invitae), Labcorp
Classification: Uncertain significance for Bloom syndrome. Last evaluated: 2025-12-08. Review status: criteria provided, single submitter. Criteria: Invitae Variant Classification Sherloc (09022015). Collection method: clinical testing. Allele origin: germline.
Comment: This sequence change replaces lysine, which is basic and polar, with glutamine, which is neutral and polar, at codon 812 of the BLM protein (p.Lys812Gln). This variant is present in population databases (rs763827222, gnomAD 0.03%). This variant has not been reported in the literature in individuals affected with BLM-related conditions. ClinVar contains an entry for this variant (Variation ID: 524792). Invitae Evidence Modeling of protein sequence and biophysical properties (such as structural, functional, and spatial information, amino acid conservation, physicochemical variation, residue mobility, and thermodynamic stability) indicates that this missense variant is expected to disrupt BLM protein function with a positive predictive value of 80%. In summary, the available evidence is currently insufficient to determine the role of this variant in disease. Therefore, it has been classified as a Variant of Uncertain Significance.

Ambry Genetics
Classification: Uncertain significance for Hereditary cancer-predisposing syndrome. Last evaluated: 2024-01-11. Review status: criteria provided, single submitter. Criteria: Ambry Variant Classification Scheme 2023. Collection method: clinical testing. Allele origin: germline.
Comment: The p.K812Q variant (also known as c.2434A>C), located in coding exon 11 of the BLM gene, results from an A to C substitution at nucleotide position 2434. The lysine at codon 812 is replaced by glutamine, an amino acid with similar properties. This amino acid position is highly conserved in available vertebrate species. In addition, this alteration is predicted to be tolerated by in silico analysis. Since supporting evidence is limited at this time, the clinical significance of this alteration remains unclear.

Laboratory of Molecular Epidemiology of Birth Defects, West China Second University Hospital, Sichuan University
Classification: Likely pathogenic for Ovarian cancer. Last evaluated: 2022-01-01. Review status: criteria provided, single submitter. Criteria: ACMG Guidelines, 2015. Collection method: clinical testing. Allele origin: germline. Affected: yes.

Natera, Inc.
Classification: Uncertain significance for Bloom syndrome. Last evaluated: 2020-01-24. Review status: no assertion criteria provided. Collection method: clinical testing. Allele origin: germline. Not counted in ClinVar's aggregate classification.

NM_000057.4(BLM):c.2434A>C (p.Lys812Gln)

Gene: BLM (BLM RecQ like helicase; plus strand). Cytogenetic location: 15q26.1.
Variant type: single nucleotide variant.
Coding change: c.2434A>C on transcript NM_000057.4 (MANE Select); coding-DNA position 2434, A replaced by C.
Protein change: p.Lys812Gln; replaces lysine 812 with glutamine.
Molecular consequence: missense variant.
Genome position (GRCh38, 1-based): chr15:90,769,465, A>C. VCF-style: chr15-90769465-A-C. GRCh37 (hg19) VCF-style: chr15-91312695-A-C.
Other names: c.2434A>C, p.Lys812Gln (NM_001287246.2, NM_001287247.2); c.1309A>C, p.Lys437Gln (NM_001287248.2); short protein forms K812Q, K437Q.
Identifiers: ClinVar variation 524792 (VCV000524792.14), dbSNP rs763827222, ClinGen allele CA7738777.